The following is an entry in ClinVar:

ClinVar aggregate classification (germline): Likely pathogenic (1 of 4 stars; one submission).

Conditions:
Cardiovascular phenotype. Identifiers: MedGen CN230736.

Submission:

Ambry Genetics
Classification: Likely pathogenic for Cardiovascular phenotype. Last evaluated: 2022-09-26. Review status: criteria provided, single submitter. Criteria: Ambry Variant Classification Scheme 2023. Collection method: clinical testing. Allele origin: germline.
Comment: The c.22967_22968delAT variant, located in coding exon 93 of the TTN gene, results from a deletion of two nucleotides at nucleotide positions 22967 to 22968, causing a translational frameshift with a predicted alternate stop codon (p.Y7656Cfs*19). This exon is located in the A-band region of the N2-B isoform of the titin protein and is constitutively expressed in TTN transcripts (percent spliced in or PSI 100%). This variant is considered to be rare based on population cohorts in the Genome Aggregation Database (gnomAD). This alteration is expected to result in loss of function by premature protein truncation or nonsense-mediated mRNA decay. While truncating variants in TTN are present in 1-3% of the general population, truncating variants in the A-band are the most common cause of dilated cardiomyopathy (DCM) (Herman DS et al. N. Engl. J. Med., 2012 Feb;366:619-28; Roberts AM et al. Sci Transl Med, 2015 Jan;7:270ra6). TTN truncating variants encoded in constitutive exons (PSI >90%) have been found to be significantly associated with DCM regardless of their position in titin (Schafer S et al. Nat. Genet., 2017 01;49:46-53). Based on the majority of available evidence to date, this variant is likely to be pathogenic.

NM_001267550.2(TTN):c.50162_50163del (p.Tyr16721fs)

Genes: TTN (titin; minus strand), TTN-AS1 (TTN antisense RNA 1; plus strand). Cytogenetic location: 2q31.2.
Variant type: Microsatellite.
Coding change: c.50162_50163del on transcript NM_001267550.2 (MANE Select); coding-DNA positions 50162 to 50163, 2 bases deleted (AT; older notation c.50162_50163delAT).
Protein change: p.Tyr16721fs; shifts the reading frame from tyrosine 16721.
Molecular consequence: frameshift variant.
Genome position (GRCh38, 1-based): chr2:178,612,362-178,612,363, AT deleted on the plus strand (AT on the coding strand, the reverse complement: TTN is on the minus strand); deleting any 2 consecutive bases within chr2:178,612,362-178,612,366 gives the same sequence; the c. name uses the placement nearest the transcript's 3' end. VCF-style (leftmost placement, unchanged base first): chr2-178612361-CAT-C. GRCh37 (hg19) VCF-style: chr2-179477088-CAT-C.
Other names: c.45239_45240del, p.Tyr15080fs (NM_001256850.1); c.22967_22968del, p.Tyr7656fs (NM_003319.4); c.42458_42459del, p.Tyr14153fs (NM_133378.4); c.23342_23343del, p.Tyr7781fs (NM_133432.3); c.23543_23544del, p.Tyr7848fs (NM_133437.4); c.22967_22968delAT (NM_003319.4); short protein forms Y16721fs, Y7781fs, Y7848fs, Y15080fs, Y14153fs, Y7656fs.
Identifiers: ClinVar variation 1789171 (VCV001789171.2), dbSNP rs2470536986, ClinGen allele CA2580614486.